The following is an entry in ClinVar:

ClinVar aggregate classification (germline): Pathogenic/Likely pathogenic. Review status: criteria provided, multiple submitters, no conflicts (2 of 4 stars). 4 submissions from 3 submitters: Pathogenic (3); Likely pathogenic (1). Last evaluated 2024-07-15.

Conditions:
Epilepsy, familial focal, with variable foci 3 (FFEVF3). Identifiers: MedGen C4310708, MONDO:0014925, OMIM 617118.
Intellectual disability. Also called: Intellectual developmental disorder; Intellectual functioning disability; intellectual disabilities. Identifiers: MedGen C3714756, MeSH D008607, MONDO:0001071, HP:0001249.

Submissions (4):

GeneDx
Classification: Pathogenic. Last evaluated: 2024-07-15. Review status: criteria provided, single submitter. Criteria: GeneDx Variant Classification Process June 2021. Collection method: clinical testing. Allele origin: germline. Affected: yes.
Comment: Frameshift variant predicted to result in protein truncation or nonsense mediated decay in a gene for which loss of function is a known mechanism of disease; Not observed at significant frequency in large population cohorts (gnomAD); This variant is associated with the following publications: (PMID: 26285051, 26505888, 34953286, 31957018, 33911214, 37583270)

Institute of Human Genetics, University of Leipzig Medical Center
Classification: Pathogenic for Epilepsy, familial focal, with variable foci 3. Last evaluated: 2023-03-13. Review status: criteria provided, single submitter. Criteria: ACMG Guidelines, 2015. Collection method: clinical testing. Allele origin: unknown. Affected: yes.
Comment: _x000D_ Criteria applied: PVS1, PS4_MOD, PM1

Institute of Human Genetics, University of Leipzig Medical Center
Classification: Likely pathogenic for Intellectual disability. Last evaluated: 2020-08-03. Review status: criteria provided, single submitter. Criteria: ACMG Guidelines, 2015. Collection method: clinical testing. Allele origin: unknown. Affected: yes.
Comment: The variant likely explains the NDD in this individual.

Labcorp Genetics (formerly Invitae), Labcorp
Classification: Pathogenic for Epilepsy, familial focal, with variable foci 3. Last evaluated: 2017-09-13. Review status: criteria provided, single submitter. Criteria: Invitae Variant Classification Sherloc (09022015). Collection method: clinical testing. Allele origin: germline.
Comment: This sequence change creates a premature translational stop signal (p.Leu142Ilefs*27) in the NPRL3 gene. It is expected to result in an absent or disrupted protein product. This variant is not present in population databases (ExAC no frequency). This variant has not been reported in the literature in individuals with NPRL3-related disease. Loss-of-function variants in NPRL3 are known to be pathogenic (PMID: 26285051, 26505888). For these reasons, this variant has been classified as Pathogenic.

Literature cited by the submitters: PubMed 26285051 (cited by Labcorp Genetics (formerly Invitae), Labcorp); PubMed 26505888 (cited by Labcorp Genetics (formerly Invitae), Labcorp).

NM_001077350.3(NPRL3):c.423_426del (p.Leu142fs)

Genes: HBA-LCR (alpha-globin locus control region; plus strand), NPRL3 (NPR3 like, GATOR1 complex subunit; minus strand). Cytogenetic location: 16p13.3.
Variant type: Deletion.
Coding change: c.423_426del on transcript NM_001077350.3 (MANE Select); coding-DNA positions 423 to 426, 4 bases deleted (TCTG; older notation c.423_426delTCTG).
Protein change: p.Leu142fs; shifts the reading frame from leucine 142.
Molecular consequence: frameshift variant. On other transcripts: 5 prime UTR variant (1).
Genome position (GRCh38, 1-based): chr16:112,743-112,746, CAGA deleted on the plus strand (TCTG on the coding strand, the reverse complement: NPRL3 is on the minus strand); deleting any 4 consecutive bases within chr16:112,743-112,749 gives the same sequence; the c. name uses the placement nearest the transcript's 3' end. VCF-style (leftmost placement, unchanged base first): chr16-112742-GCAGA-G. GRCh37 (hg19) VCF-style: chr16-162741-GCAGA-G.
Other names: c.423_426del (NM_001077350.2); c.-115_-112del (NM_001039476.3); c.189_192del, p.Leu64fs (NM_001243247.2); c.348_351del, p.Leu117fs (NM_001243248.2, NM_001243249.2); short protein forms L117fs, L64fs, L142fs.
Identifiers: ClinVar variation 577957 (VCV000577957.10), dbSNP rs1567139896, ClinGen allele CA891843996.